The following is an entry in ClinVar:

NM_000701.8(ATP1A1):c.66GGGCAAAAA[3] (p.Lys28_Asp29insGlyLysLys)

Gene: ATP1A1 (ATPase Na+/K+ transporting subunit alpha 1; plus strand). Cytogenetic location: 1p13.1.
Variant type: Microsatellite.
Coding change: c.66GGGCAAAAA[3] on transcript NM_000701.8 (MANE Select); three copies in a row of the 9-base unit GGGCAAAAA starting at c.66; the reference has two copies in a row; one copy, 9 bases duplicated.
Protein change: p.Lys28_Asp29insGlyLysLys.
Molecular consequence: inframe insertion. On other transcripts: 5 prime UTR variant (1).
Genome position (GRCh38, 1-based): chr1:116,384,076-116,384,084, GGGCAAAAA duplicated; duplicating any 9 consecutive bases within chr1:116,384,062-116,384,084 gives the same sequence; the position shown is the placement nearest the transcript's 3' end. VCF-style (leftmost placement, unchanged base first): chr1-116384061-T-TAAAAAGGGC. GRCh37 (hg19) VCF-style: chr1-116926683-T-TAAAAAGGGC.
Other names: c.66GGGCAAAAA[3], p.Lys28_Asp29insGlyLysLys (NM_001160233.2); c.-28GGGCAAAAA[3] (NM_001160234.2).
Identifiers: ClinVar variation 1985694 (VCV001985694.4), dbSNP rs769658184, ClinGen allele CA525610080.

ClinVar aggregate classification (germline): Uncertain significance (1 of 4 stars; one submission).

Submission:

Labcorp Genetics (formerly Invitae), Labcorp
Classification: Uncertain significance. Last evaluated: 2025-08-30. Review status: criteria provided, single submitter. Criteria: Invitae Variant Classification Sherloc (09022015). Collection method: clinical testing. Allele origin: germline.
Comment: This variant, c.75_83dup, results in the insertion of 3 amino acid(s) of the ATP1A1 protein (p.Gly26_Lys28dup), but otherwise preserves the integrity of the reading frame. This variant is present in population databases (no rsID available, gnomAD 0.0009%). This variant has not been reported in the literature in individuals affected with ATP1A1-related conditions. Experimental studies and prediction algorithms are not available or were not evaluated, and the functional significance of this variant is currently unknown. In summary, the available evidence is currently insufficient to determine the role of this variant in disease. Therefore, it has been classified as a Variant of Uncertain Significance.